The following is an entry in ClinVar:

NM_016277.5(RAB23):c.82C>T (p.Arg28Ter)

Gene: RAB23 (RAB23, member RAS oncogene family; minus strand). Cytogenetic location: 6p11.2.
Variant type: single nucleotide variant.
Coding change: c.82C>T on transcript NM_016277.5 (MANE Select); coding-DNA position 82, C replaced by T.
Protein change: p.Arg28Ter; replaces arginine 28 with a stop codon.
Molecular consequence: nonsense. On other transcripts: non-coding transcript variant (1).
Genome position (GRCh38, 1-based): chr6:57,210,299, G>A on the plus strand (C>T on the coding strand, the complement: RAB23 is on the minus strand). VCF-style: chr6-57210299-G-A. GRCh37 (hg19) VCF-style: chr6-57075097-G-A.
Other names: c.82C>T, p.Arg28Ter (NM_001278666.2, NM_001278667.2, NM_001278668.2 and 1 more transcripts); short protein forms R28*.
Identifiers: ClinVar variation 280858 (VCV000280858.24), dbSNP rs765443042, ClinGen allele CA3873927.

ClinVar aggregate classification (germline): Pathogenic/Likely pathogenic. Review status: criteria provided, multiple submitters, no conflicts (2 of 4 stars). 6 submissions from 6 submitters: Pathogenic (5); Likely pathogenic (1). Last evaluated 2026-03-21.

Conditions:
RAB23-related disorder. Also called: RAB23-related condition.
RAB23-related Carpenter syndrome. Also called: Carpenter syndrome 1; ACPS II. Identifiers: Orphanet 65759, MedGen C4551510, MONDO:0008710, OMIM 201000.
Carpenter syndrome. Identifiers: Orphanet 65759, MedGen C1275078, MONDO:0019012.

Allele frequency attached by ClinVar (database versions not stated): gnomAD exomes 0.00001; TOPMed 0.00001; gnomAD 0.00001; ExAC 0.00002.
gnomAD v4.1: 60 of 1,613,458 alleles (0.0037%); highest among the groups gnomAD compares: Non-Finnish European, 0.0047%; no homozygotes.

Submissions (6):

PreventionGenetics, part of Exact Sciences
Classification: Pathogenic for RAB23-related condition. Last evaluated: 2026-03-21. Review status: criteria provided, single submitter. Criteria: ACMG Guidelines, 2015. Collection method: clinical testing. Allele origin: germline.
Comment: The RAB23 c.82C>T variant is predicted to result in premature protein termination (p.Arg28*). This variant has been reported in six individuals from three families with Carpenter syndrome (Jenkins et al. 2011. PubMed ID: 21412941; Ben-Salem et al. 2013. PubMed ID: 23599695; Lodhia et al. 2021. PubMed ID: 33368989). In two of those individuals from one family, the c.434T>A and c.82C>T variant were reported to be on the same allele (cis orientation) with a nonsense variant on the other allele (Jenkins et al. 2011. PubMed ID: 21412941). In another family, both parents were heterozygous for the c.82C>T variant and the child with Carpenter syndrome was homozygous for the c.82C>T variant (Lodhia et al. 2021. PubMed ID: 33368989). This variant is reported in 0.0062% of alleles in individuals of African descent in gnomAD. Nonsense variants in RAB23 are expected to be pathogenic. This variant is interpreted as pathogenic.

Natera, Inc.
Classification: Pathogenic for Carpenter syndrome 1. Last evaluated: 2025-06-30. Review status: criteria provided, single submitter. Criteria: Natera Variant Classification Schema (03/2026). Collection method: clinical testing. Allele origin: germline.
Comment: The c.82C>T variant in RAB23 is a nonsense variant predicted to introduce a stop codon at amino acid 28. This variant is expected to result in nonsense mediated decay, truncation, or a dysfunctional protein product. This variant is rare in the general population with a frequency below the threshold expected for the associated phenotype(s). This variant has been observed in one or more individuals affected with the associated recessive disease, as either homozygous or compound heterozygous with a second variant (PMID: 33368989). Given the available evidence, this variant is classified as Pathogenic.

Fulgent Genetics
Classification: Pathogenic for RAB23-related Carpenter syndrome. Last evaluated: 2024-03-13. Review status: criteria provided, single submitter. Criteria: ACMG Guidelines, 2015. Collection method: clinical testing. Allele origin: germline.

Labcorp Genetics (formerly Invitae), Labcorp
Classification: Pathogenic for Carpenter syndrome. Last evaluated: 2024-02-17. Review status: criteria provided, single submitter. Criteria: Invitae Variant Classification Sherloc (09022015). Collection method: clinical testing. Allele origin: germline.
Comment: This sequence change creates a premature translational stop signal (p.Arg28*) in the RAB23 gene. It is expected to result in an absent or disrupted protein product. Loss-of-function variants in RAB23 are known to be pathogenic (PMID: 17503333, 21412941). This variant is present in population databases (rs765443042, gnomAD 0.007%). This premature translational stop signal has been observed in individual(s) with Carpenter syndrome, although in one family this variant was shown to be on the same chromosome (in cis) with another pathogenic variant (p.Leu145*) (PMID: 21412941, 23599695). It has also been observed to segregate with disease in related individuals. ClinVar contains an entry for this variant (Variation ID: 280858). For these reasons, this variant has been classified as Pathogenic.

GeneDx
Classification: Pathogenic. Last evaluated: 2023-06-06. Review status: criteria provided, single submitter. Criteria: GeneDx Variant Classification Process June 2021. Collection method: clinical testing. Allele origin: germline. Affected: yes.
Comment: Nonsense variant predicted to result in protein truncation or nonsense mediated decay in a gene for which loss-of-function is a known mechanism of disease; Reported previously in two siblings with Carpenter syndrome who harbored a maternally inherited R28X; L145X complex allele in trans with a paternally inherited L145X variant (Jenkins et al., 2011); This variant is associated with the following publications: (PMID: 23599695, 21412941, 33368989)

Genetics and Molecular Pathology, SA Pathology
Classification: Likely pathogenic for RAB23-related Carpenter syndrome. Last evaluated: 2022-03-02. Review status: criteria provided, single submitter. Criteria: ACMG Guidelines, 2015. Collection method: clinical testing. Allele origin: germline. Affected: yes.

Literature cited by the submitters: PubMed 33368989 (cited by Natera, Inc.); PubMed 17503333 (cited by Labcorp Genetics (formerly Invitae), Labcorp); PubMed 21412941 (cited by Labcorp Genetics (formerly Invitae), Labcorp); PubMed 23599695 (cited by Labcorp Genetics (formerly Invitae), Labcorp).